The following is an entry in ClinVar:

ClinVar aggregate classification (germline): Uncertain significance (1 of 4 stars; one submission).

Submission:

Dasa
Classification: Uncertain significance. Last evaluated: 2024-11-11. Review status: criteria provided, single submitter. Criteria: DASA Assertion Criteria. Collection method: clinical testing. Allele origin: germline.
Comment: NM_002860.4(ALDH18A1):c.218T>C (p.Ile73Thr) is a missense variant that results in the substitution of isoleucine with threonine. This variant is absent from population databases. Computational prediction algorithms are consistent with a deleterious effect. The currently available literature and clinical evidence are not sufficient to establish a definitive association between this variant and the reported condition. Therefore, this variant is classified as a variant of uncertain significance.

NM_002860.4(ALDH18A1):c.218T>C (p.Ile73Thr)

Gene: ALDH18A1 (aldehyde dehydrogenase 18 family member A1; minus strand). Cytogenetic location: 10q24.1.
Variant type: single nucleotide variant.
Coding change: c.218T>C on transcript NM_002860.4 (MANE Select); coding-DNA position 218, T replaced by C.
Protein change: p.Ile73Thr; replaces isoleucine 73 with threonine.
Molecular consequence: missense variant. On other transcripts: intron variant (4).
Genome position (GRCh38, 1-based): chr10:95,643,077, A>G on the plus strand (T>C on the coding strand, the complement: ALDH18A1 is on the minus strand). VCF-style: chr10-95643077-A-G. GRCh37 (hg19) VCF-style: chr10-97402834-A-G.
Other names: c.218T>C, p.Ile73Thr (NM_001017423.2, NM_001323413.2, NM_001323414.2 and 2 more transcripts); c.-78-9428T>C (NM_001323419.2); c.-30-5641T>C (NM_001323412.2, NM_001323418.2, NM_001323416.2); short protein forms I73T.
Identifiers: ClinVar variation 5021047 (VCV005021047.1).